The following is an entry in ClinVar:

ClinVar aggregate classification (germline): Uncertain significance. Review status: criteria provided, multiple submitters, no conflicts (2 of 4 stars). 3 submissions from 3 submitters: Uncertain significance (3). Last evaluated 2025-11-18.

Conditions:
Distal myopathy with posterior leg and anterior hand involvement. Also called: WILLIAMS DISTAL MYOPATHY. Identifiers: Orphanet 63273, MedGen C3279722, MONDO:0013550, OMIM 614065.
Hypertrophic cardiomyopathy 26. Also called: Cardiomyopathy, familial hypertrophic, 26. Identifiers: Orphanet 75249, MedGen C4310749, MONDO:0014883, OMIM 617047.
Myofibrillar myopathy 5. Also called: Filaminopathy (type); FILAMINOPATHY, AUTOSOMAL DOMINANT. Identifiers: Orphanet 171445, MedGen C1836050, MONDO:0012289, OMIM 609524.
Cardiovascular phenotype. Identifiers: MedGen CN230736.

Allele frequency attached by ClinVar (database versions not stated): ExAC 0.00002; ESP Exome Variant Server 0.00008.
gnomAD v4.1: 1 of 1,613,996 alleles (0.000062%); highest among the groups gnomAD compares: Non-Finnish European, 0.000085%; no homozygotes.

Submissions (3):

Labcorp Genetics (formerly Invitae), Labcorp
Classification: Uncertain significance for Distal myopathy with posterior leg and anterior hand involvement; Myofibrillar myopathy 5; Hypertrophic cardiomyopathy 26. Last evaluated: 2025-11-18. Review status: criteria provided, single submitter. Criteria: Invitae Variant Classification Sherloc (09022015). Collection method: clinical testing. Allele origin: germline.
Comment: This sequence change replaces proline, which is neutral and non-polar, with serine, which is neutral and polar, at codon 1141 of the FLNC protein (p.Pro1141Ser). This variant is present in population databases (rs369188936, gnomAD 0.006%). This variant has not been reported in the literature in individuals affected with FLNC-related conditions. ClinVar contains an entry for this variant (Variation ID: 1731275). Invitae Evidence Modeling of protein sequence and biophysical properties (such as structural, functional, and spatial information, amino acid conservation, physicochemical variation, residue mobility, and thermodynamic stability) has been performed for this missense variant. However, the output from this modeling did not meet the statistical confidence thresholds required to predict the impact of this variant on FLNC protein function. In summary, the available evidence is currently insufficient to determine the role of this variant in disease. Therefore, it has been classified as a Variant of Uncertain Significance.

Ambry Genetics
Classification: Uncertain significance for Cardiovascular phenotype. Last evaluated: 2022-09-20. Review status: criteria provided, single submitter. Criteria: Ambry Variant Classification Scheme 2023. Collection method: clinical testing. Allele origin: germline.
Comment: The p.P1141S variant (also known as c.3421C>T), located in coding exon 21 of the FLNC gene, results from a C to T substitution at nucleotide position 3421. The proline at codon 1141 is replaced by serine, an amino acid with similar properties. This amino acid position is highly conserved in available vertebrate species. In addition, the in silico prediction for this alteration is inconclusive. Since supporting evidence is limited at this time, the clinical significance of this alteration remains unclear.

Juno Genomics, Hangzhou Juno Genomics, Inc
Classification: Uncertain significance for Hypertrophic cardiomyopathy 26; Distal myopathy with posterior leg and anterior hand involvement; Myofibrillar myopathy 5. Review status: criteria provided, single submitter. Criteria: ACMG Guidelines, 2015. Collection method: clinical testing. Allele origin: germline. Affected: yes.
Comment: Absent from controls (or at extremely low frequency if recessive) in Genome Aggregation Database, Exome Sequencing Project, 1000 Genomes Project, or Exome Aggregation Consortium.;Multiple lines of computational evidence support a deleterious effect on the gene or gene product (conservation, evolutionary, splicing impact, etc).;Missense variant in a gene that has a low rate of benign missense variation and where missense variants are a common mechanism of disease.

NM_001458.5(FLNC):c.3421C>T (p.Pro1141Ser)

Gene: FLNC (filamin C; plus strand). Cytogenetic location: 7q32.1.
Variant type: single nucleotide variant.
Coding change: c.3421C>T on transcript NM_001458.5 (MANE Select); coding-DNA position 3421, C replaced by T.
Protein change: p.Pro1141Ser; replaces proline 1141 with serine.
Molecular consequence: missense variant.
Genome position (GRCh38, 1-based): chr7:128,844,886, C>T. VCF-style: chr7-128844886-C-T. GRCh37 (hg19) VCF-style: chr7-128484940-C-T.
Other names: c.3421C>T, p.Pro1141Ser (NM_001127487.2); short protein forms P1141S.
Identifiers: ClinVar variation 1731275 (VCV001731275.5), dbSNP rs369188936, ClinGen allele CA4475035.
Genomic context (GRCh38, chr7:128,844,886, plus strand): 5'-TACCTGCCCACGGAGCCTGGCGAGTACACCATCAACATCCTGTTTGCTGAGGCCCACATC[C>T]CTGGCTCGCCCTTCAAAGCCACCATTCGGCCTGTGTTTGACCCGAGCAAGGTGCGGGCCA-3'
Protein context (NP_001449.3, residues 1131-1151): INILFAEAHI[Pro1141Ser]GSPFKATIRP